The following is an entry in ClinVar:

ClinVar aggregate classification (germline): Uncertain significance (1 of 4 stars; one submission).

Conditions:
Bethlem myopathy 1A. Also called: MYOPATHY, BENIGN CONGENITAL, WITH CONTRACTURES; Bethlem Muscular Dystrophy; Bethlem myopathy 1. Identifiers: Orphanet 610, MedGen CN029274, MONDO:0024530, OMIM 158810.

gnomAD v4.1: 1 of 1,614,006 alleles (0.000062%); highest among the groups gnomAD compares: African/African-American, 0.0013%; no homozygotes.

Submission:

Labcorp Genetics (formerly Invitae), Labcorp
Classification: Uncertain significance for Bethlem myopathy 1A. Last evaluated: 2023-07-25. Review status: criteria provided, single submitter. Criteria: Invitae Variant Classification Sherloc (09022015). Collection method: clinical testing. Allele origin: germline.
Comment: In summary, the available evidence is currently insufficient to determine the role of this variant in disease. Therefore, it has been classified as a Variant of Uncertain Significance. Advanced modeling of protein sequence and biophysical properties (such as structural, functional, and spatial information, amino acid conservation, physicochemical variation, residue mobility, and thermodynamic stability) has been performed at Invitae for this missense variant, however the output from this modeling did not meet the statistical confidence thresholds required to predict the impact of this variant on COL6A3 protein function. ClinVar contains an entry for this variant (Variation ID: 542959). This variant has not been reported in the literature in individuals affected with COL6A3-related conditions. This variant is not present in population databases (gnomAD no frequency). This sequence change replaces glycine, which is neutral and non-polar, with arginine, which is basic and polar, at codon 2563 of the COL6A3 protein (p.Gly2563Arg).

NM_004369.4(COL6A3):c.7687G>A (p.Gly2563Arg)

Gene: COL6A3 (collagen type VI alpha 3 chain; minus strand). Cytogenetic location: 2q37.3.
Variant type: single nucleotide variant.
Coding change: c.7687G>A on transcript NM_004369.4 (MANE Select); coding-DNA position 7687, G replaced by A.
Protein change: p.Gly2563Arg; replaces glycine 2563 with arginine.
Molecular consequence: missense variant.
Genome position (GRCh38, 1-based): chr2:237,342,143, C>T on the plus strand (G>A on the coding strand, the complement: COL6A3 is on the minus strand). VCF-style: chr2-237342143-C-T. GRCh37 (hg19) VCF-style: chr2-238250786-C-T.
Other names: c.5866G>A, p.Gly1956Arg (NM_057166.5); c.7069G>A, p.Gly2357Arg (NM_057167.4); short protein forms G2563R, G1956R, G2357R.
Identifiers: ClinVar variation 542959 (VCV000542959.9), dbSNP rs780964113, ClinGen allele CA351199993.